The following is an entry in ClinVar:

ClinVar aggregate classification (germline): Likely pathogenic (1 of 4 stars; one submission).

Conditions:
Hereditary spastic paraplegia 56. Also called: Spastic paraplegia 56, autosomal recessive; SPASTIC PARAPLEGIA 56, AUTOSOMAL RECESSIVE, WITH OR WITHOUT PSEUDOXANTHOMA ELASTICUM; Spastic Paraplegia 56. Identifiers: Orphanet 320411, MedGen C3539507, MONDO:0014015, OMIM 615030.

Submission:

3billion
Classification: Likely pathogenic for Hereditary spastic paraplegia 56. Last evaluated: 2025-06-10. Review status: criteria provided, single submitter. Criteria: ACMG Guidelines, 2015. Collection method: clinical testing. Allele origin: germline. Affected: yes.
Comment: The variant is not observed in the gnomAD v4.1.0 dataset. Predicted Consequence/Location: Frameshift: predicted to result in a loss or disruption of normal protein function through nonsense-mediated decay (NMD) or protein truncation. Multiple pathogenic variants are reported downstream of the variant. Therefore, this variant is classified as Likely pathogenic according to the recommendation of ACMG/AMP guideline.

NM_183075.3(CYP2U1):c.941del (p.Pro314fs)

Gene: CYP2U1 (cytochrome P450 family 2 subfamily U member 1; plus strand). Cytogenetic location: 4q25.
Variant type: Deletion.
Coding change: c.941del on transcript NM_183075.3 (MANE Select); coding-DNA position 941, one base deleted (C; older notation c.941delC).
Protein change: p.Pro314fs; shifts the reading frame from proline 314.
Molecular consequence: frameshift variant.
Genome position (GRCh38, 1-based): chr4:107,945,420, C deleted; the last of 3 consecutive C bases (chr4:107,945,418-107,945,420); deleting any one gives the same sequence. VCF-style (leftmost placement, unchanged base first): chr4-107945417-AC-A. GRCh37 (hg19) VCF-style: chr4-108866573-AC-A.
Other names: short protein forms P314fs.
Identifiers: ClinVar variation 4854382 (VCV004854382.1).